The following is an entry in ClinVar:

NM_032242.4(PLXNA1):c.2892C>T (p.Tyr964=)

Genes: PLXNA1 (plexin A1; plus strand), LOC129937476 (ATAC-STARR-seq lymphoblastoid active region 20450; plus strand). Cytogenetic location: 3q21.3.
Variant type: single nucleotide variant.
Coding change: c.2892C>T on transcript NM_032242.4 (MANE Select); coding-DNA position 2892, C replaced by T.
Protein change: p.Tyr964=; no amino-acid change (tyrosine 964 retained).
Molecular consequence: synonymous variant.
Genome position (GRCh38, 1-based): chr3:127,015,198, C>T. VCF-style: chr3-127015198-C-T. GRCh37 (hg19) VCF-style: chr3-126734041-C-T.
Identifiers: ClinVar variation 5000213 (VCV005000213.1).

ClinVar aggregate classification (germline): Likely benign (1 of 4 stars; one submission).

Conditions:
PLXNA1-related disorder. Also called: PLXNA1-related condition.

Submission:

PreventionGenetics, part of Exact Sciences
Classification: Likely benign for PLXNA1-related condition. Last evaluated: 2025-03-01. Review status: criteria provided, single submitter. Criteria: ACMG Guidelines, 2015. Collection method: clinical testing. Allele origin: germline.
Comment: This variant is classified as likely benign based on ACMG/AMP sequence variant interpretation guidelines (Richards et al. 2015 PMID: 25741868, with internal and published modifications).